The following is an entry in ClinVar:

ClinVar aggregate classification (germline): Likely benign. Review status: criteria provided, multiple submitters, no conflicts (2 of 4 stars). 2 submissions from 2 submitters: Likely benign (2). Last evaluated 2025-10-21.

Conditions:
COG5-congenital disorder of glycosylation. Also called: CONGENITAL DISORDER OF GLYCOSYLATION, TYPE IIi; COG5-CDG; CDG IIi. Identifiers: Orphanet 263487, MedGen C3150876, MONDO:0013325, OMIM 613612.

Allele frequency attached by ClinVar (database versions not stated): TOPMed 0.00001.
gnomAD v4.1: 9 of 1,614,046 alleles (0.00056%); highest among the groups gnomAD compares: Admixed American, 0.015%; no homozygotes.

Submissions (2):

Labcorp Genetics (formerly Invitae), Labcorp
Classification: Likely benign for COG5-congenital disorder of glycosylation. Last evaluated: 2025-10-21. Review status: criteria provided, single submitter. Criteria: Invitae Variant Classification Sherloc (09022015). Collection method: clinical testing. Allele origin: germline.

GeneDx
Classification: Likely benign. Last evaluated: 2016-08-17. Review status: criteria provided, single submitter. Criteria: GeneDx Variant Classification (06012015). Collection method: clinical testing. Allele origin: germline. Affected: yes.
Comment: This variant is considered likely benign or benign based on one or more of the following criteria: it is a conservative change, it occurs at a poorly conserved position in the protein, it is predicted to be benign by multiple in silico algorithms, and/or has population frequency not consistent with disease.

NM_006348.5(COG5):c.2433A>T (p.Ala811=)

Gene: COG5 (component of oligomeric golgi complex 5; minus strand). Cytogenetic location: 7q22.3.
Variant type: single nucleotide variant.
Coding change: c.2433A>T on transcript NM_006348.5 (MANE Select); coding-DNA position 2433, A replaced by T.
Protein change: p.Ala811=; no amino-acid change (alanine 811 retained).
Molecular consequence: synonymous variant.
Genome position (GRCh38, 1-based): chr7:107,203,573, T>A on the plus strand (A>T on the coding strand, the complement: COG5 is on the minus strand). VCF-style: chr7-107203573-T-A. GRCh37 (hg19) VCF-style: chr7-106844018-T-A.
Other names: c.2271A>T, p.Ala757= (NM_001379511.1); c.2259A>T, p.Ala753= (NM_001379512.1); c.2226A>T, p.Ala742= (NM_001379513.1); c.2118A>T, p.Ala706= (NM_001379514.1); c.1863A>T, p.Ala621= (NM_001379515.1); c.1719A>T, p.Ala573= (NM_001379516.1); c.2370A>T, p.Ala790= (NM_181733.4).
Identifiers: ClinVar variation 388637 (VCV000388637.11), dbSNP rs775853693, ClinGen allele CA16605015.
Genomic context (GRCh38, chr7:107,203,573, plus strand): 5'-TCATTACTGAAGAGCAGACATAGCCTTTTGAAGCAGCTGAACCATTATGGGATAAACTGG[T>A]GCAAATTCTTTGCCTTCTCTACTTCTCACTGATTGAACATAAGCTTCCAGGGCTCCCCTG-3'
Protein context (NP_006339.4, residues 801-821): SVRSREGKEF[Ala811=]PVYPIMVQLL